The following is an entry in ClinVar:

NM_004329.3(BMPR1A):c.751G>T (p.Gly251Cys)

Gene: BMPR1A (bone morphogenetic protein receptor type 1A; plus strand). Cytogenetic location: 10q23.2.
Variant type: single nucleotide variant.
Coding change: c.751G>T on transcript NM_004329.3 (MANE Select); coding-DNA position 751, G replaced by T.
Protein change: p.Gly251Cys; replaces glycine 251 with cysteine.
Molecular consequence: missense variant.
Genome position (GRCh38, 1-based): chr10:86,917,209, G>T. VCF-style: chr10-86917209-G-T. GRCh37 (hg19) VCF-style: chr10-88676966-G-T.
Other names: short protein forms G251C.
Identifiers: ClinVar variation 460511 (VCV000460511.31), dbSNP rs750513716, ClinGen allele CA5585598.

ClinVar aggregate classification (germline): Conflicting classifications of pathogenicity. Review status: criteria provided, conflicting classifications (1 of 4 stars). 11 submissions from 11 submitters: Uncertain significance (8); Benign (1); Likely benign (1). 1 of the submissions does not count toward it. Last evaluated 2026-01-13.

Conditions:
Juvenile polyposis syndrome (JPS). Identifiers: Orphanet 2929, MedGen C0345893, MONDO:0017380, OMIM 174900.
Hereditary cancer-predisposing syndrome. Also called: Neoplastic Syndromes, Hereditary; Hereditary Cancer Syndrome; Hereditary neoplastic syndrome; Tumor predisposition. Identifiers: Orphanet 140162, MedGen C0027672, MeSH D009386, MONDO:0015356.
Generalized juvenile polyposis/juvenile polyposis coli. Also called: Juvenile polyposis coli. Identifiers: Orphanet 329971, MedGen C1868081, MONDO:0008276.
Polyposis syndrome, hereditary mixed, 2. Identifiers: Orphanet 157794, MedGen C1864730, MONDO:0012405, OMIM 610069.

Allele frequency attached by ClinVar (database versions not stated): gnomAD 0.00001; TOPMed 0.00001; gnomAD exomes 0.00002 and 0.00003; ExAC 0.00005.
gnomAD v4.1: 30 of 1,613,954 alleles (0.0019%); highest among the groups gnomAD compares: Admixed American, 0.005%; no homozygotes.

Submissions (11):

Labcorp Genetics (formerly Invitae), Labcorp
Classification: Uncertain significance for Juvenile polyposis syndrome. Last evaluated: 2026-01-13. Review status: criteria provided, single submitter. Criteria: Invitae Variant Classification Sherloc (09022015). Collection method: clinical testing. Allele origin: germline.
Comment: This sequence change replaces glycine, which is neutral and non-polar, with cysteine, which is neutral and slightly polar, at codon 251 of the BMPR1A protein (p.Gly251Cys). This variant is present in population databases (rs750513716, gnomAD 0.009%). This variant has not been reported in the literature in individuals affected with BMPR1A-related conditions. ClinVar contains an entry for this variant (Variation ID: 460511). Invitae Evidence Modeling incorporating data from in vitro experimental studies (internal data) indicates that this missense variant is not expected to disrupt BMPR1A function with a negative predictive value of 95%. In summary, the available evidence is currently insufficient to determine the role of this variant in disease. Therefore, it has been classified as a Variant of Uncertain Significance.

Color Diagnostics, LLC DBA Color Health
Classification: Uncertain significance for Hereditary cancer-predisposing syndrome. Last evaluated: 2025-02-03. Review status: criteria provided, single submitter. Criteria: ACMG Guidelines, 2015. Collection method: clinical testing. Allele origin: germline.
Comment: This missense variant replaces glycine with cysteine at codon 251 of the BMPR1A protein. Computational prediction suggests that this variant may have deleterious impact on protein structure and function. To our knowledge, functional studies have not been reported for this variant. This variant has not been reported in individuals affected with BMPR1A-related disorders in the literature. This variant has been identified in 8/251374 chromosomes in the general population by the Genome Aggregation Database (gnomAD). The available evidence is insufficient to determine the role of this variant in disease conclusively. Therefore, this variant is classified as a Variant of Uncertain Significance.

Baylor Genetics
Classification: Uncertain significance for Polyposis syndrome, hereditary mixed, 2. Last evaluated: 2024-01-02. Review status: criteria provided, single submitter. Criteria: ACMG Guidelines, 2015. Collection method: clinical testing. Allele origin: unknown.

All of Us Research Program, National Institutes of Health
Classification: Uncertain significance for Juvenile polyposis syndrome. Last evaluated: 2023-12-01. Review status: criteria provided, single submitter. Criteria: ACMG Guidelines, 2015. Collection method: clinical testing. Allele origin: germline. Inheritance: Autosomal dominant inheritance. Observed: 8 variant alleles, 8 heterozygotes.
Comment: This missense variant replaces glycine with cysteine at codon 251 of the BMPR1A protein. Computational prediction suggests that this variant may have deleterious impact on protein structure and function (internally defined REVEL score threshold >= 0.7, PMID: 27666373). To our knowledge, functional studies have not been reported for this variant. This variant has not been reported in individuals affected with hereditary cancer in the literature. This variant has been identified in 8/251374 chromosomes in the general population by the Genome Aggregation Database (gnomAD). The available evidence is insufficient to determine the role of this variant in disease conclusively. Therefore, this variant is classified as a Variant of Uncertain Significance.

This study involves interpretation of variants in research participants for the purpose of population health screening. Participant phenotype was not available at the time of variant classification. Additional details can be found in publication PMID: 35346344, PMCID: PMC8962531

Blueprint Genetics
Classification: Uncertain significance. Last evaluated: 2023-07-18. Review status: criteria provided, single submitter. Criteria: ACMG Guidelines, 2015. Collection method: clinical testing. Allele origin: germline.

GeneDx
Classification: Uncertain significance. Last evaluated: 2023-05-05. Review status: criteria provided, single submitter. Criteria: GeneDx Variant Classification Process June 2021. Collection method: clinical testing. Allele origin: germline. Affected: yes.
Comment: In silico analysis supports that this missense variant has a deleterious effect on protein structure/function; Has not been previously published as pathogenic or benign to our knowledge

MGZ Medical Genetics Center
Classification: Uncertain significance for Juvenile polyposis syndrome. Last evaluated: 2022-04-11. Review status: criteria provided, single submitter. Criteria: ACMG Guidelines, 2015. Collection method: clinical testing. Allele origin: germline. Affected: yes. Observed: 1 variant allele.
Comment: ACMG criteria applied: PM2_SUP, PP3

Ambry Genetics
Classification: Benign for Hereditary cancer-predisposing syndrome. Last evaluated: 2021-12-28. Review status: criteria provided, single submitter. Criteria: Ambry Variant Classification Scheme 2023. Collection method: clinical testing. Allele origin: germline.

Illumina Laboratory Services, Illumina
Classification: Likely benign for Juvenile polyposis syndrome. Last evaluated: 2018-01-13. Review status: criteria provided, single submitter. Criteria: ICSL Variant Classification Criteria 13 December 2019. Collection method: clinical testing. Allele origin: germline.
Comment: This variant was observed in the ICSL laboratory as part of a predisposition screen in an ostensibly healthy population. It had not been previously curated by ICSL or reported in the Human Gene Mutation Database (HGMD: prior to June 1st, 2018), and was therefore a candidate for classification through an automated scoring system. Utilizing variant allele frequency, disease prevalence and penetrance estimates, and inheritance mode, an automated score was calculated to assess if this variant is too frequent to cause the disease. Based on the score and internal cut-off values, a variant classified as likely benign is not then subjected to further curation. The score for this variant resulted in a classification of likely benign for this disease.

Women's Health and Genetics/Laboratory Corporation of America, LabCorp
Classification: Uncertain significance. Last evaluated: 2016-07-11. Review status: criteria provided, single submitter. Criteria: LabCorp Variant Classification Summary - May 2015. Collection method: clinical testing. Allele origin: germline.
Comment: Variant summary: The BMPR1A c.751G>T (p.Gly251Cys) variant causes a missense change involving a conserved nucleotide with 5/5 in silico tools predicting a damaging outcome, although these predictions have yet to be functionally assessed. The variant of interest was observed in the large, broad control population, ExAC with an allele frequency of 6/120956 (1/20161), which does exceed the estimated maximal expected allele frequency for a pathogenic BMPR1A variant of 1/500000 (0.000002). However, this observation needs to be cautiously considered because the database does indicate low coverage at the cite, in addition, the cohort could harbor individuals that have a BMPR1A phenotype. The variant of interest, to our knowledge, has not been reported in affected individuals via publications and/or reputable databases/clinical laboratories. Therefore, taking all available lines of evidence into consideration, the variant of interest has been classified as a "VUS-possibly benign," until additional information becomes available.

Department of Pathology and Laboratory Medicine, Sinai Health System
Classification: Uncertain significance. Review status: no assertion criteria provided. Collection method: clinical testing. Allele origin: unknown. Affected: yes. Observed: 1 variant allele. Study: The Canadian Open Genetics Repository (COGR). Not counted in ClinVar's aggregate classification.
Comment: The BMPR1A p.Gly251Cys variant was not identified in the literature nor was it identified in the Cosmic, MutDB, or LOVD 3.0, databases. The variant was identified in dbSNP (ID: rs750513716) as "With Uncertain significance allele ", and in ClinVar database (classified as uncertain significance by Invitae, Ambry Genetics, Color Genomics and Integrated Genetics/Laboratory Corporation of America). The variant was identified in control databases in 8 of 246178 chromosomes at a frequency of 0.00003 (Genome Aggregation Database Feb 27, 2017). The variant was observed in the following populations: Latino in 3 of 33572 chromosomes (freq: 0.00009), European in 5 of 111668 chromosomes (freq: 0.00005), while the variant was not observed in the African, Other, Ashkenazi Jewish, East Asian, Finnish, and South Asian populations. The p.Gly251 residue is conserved in mammals but not in more distantly related organisms, and computational analyses (PolyPhen-2, SIFT, AlignGVGD, BLOSUM, MutationTaster) suggest that the variant may impact the protein; however, this information is not predictive enough to assume pathogenicity. The variant occurs outside of the splicing consensus sequence and 1 of 4 in silico or computational prediction software programs (SpliceSiteFinder, MaxEntScan, NNSPLICE, GeneSplicer) predict a greater than 10% difference in splicing; this is not very predictive of pathogenicity. In summary, based on the above information the clinical significance of this variant cannot be determined with certainty at this time. This variant is classified as a variant of uncertain significance.